The following is an entry in ClinVar:

NM_003000.3(SDHB):c.540+4A>G

Gene: SDHB (succinate dehydrogenase complex iron sulfur subunit B; minus strand). Cytogenetic location: 1p36.13.
Variant type: single nucleotide variant.
Coding change: c.540+4A>G on transcript NM_003000.3 (MANE Select); 4 bases into the intron after coding-DNA position 540, A replaced by G.
Molecular consequence: intron variant.
Genome position (GRCh38, 1-based): chr1:17,027,745, T>C on the plus strand (A>G on the coding strand, the complement: SDHB is on the minus strand). VCF-style: chr1-17027745-T-C. GRCh37 (hg19) VCF-style: chr1-17354240-T-C.
Identifiers: ClinVar variation 576256 (VCV000576256.8), dbSNP rs1557741074, ClinGen allele CA891842431.
Genomic context (GRCh38, chr1:17,027,745, plus strand): 5'-CACTCCTGGCAATCATCTTTGCAATAAATTCTTCAGATTGAAACAATAAATAGGGACTAA[T>C]GACCAGTTTCTCACGCTCTTCTATGGACTGCAGATACTGCTGCTTGCCTTCCTGAGATTC-3'

ClinVar aggregate classification (germline): Uncertain significance. Review status: criteria provided, multiple submitters, no conflicts (2 of 4 stars). 3 submissions from 3 submitters: Uncertain significance (3). Last evaluated 2025-07-15.

Conditions:
Hereditary cancer-predisposing syndrome. Also called: Hereditary Cancer Syndrome; Tumor predisposition; Neoplastic Syndromes, Hereditary; Hereditary neoplastic syndrome. Identifiers: Orphanet 140162, MedGen C0027672, MeSH D009386, MONDO:0015356.
Pheochromocytoma. Also called: MAX-Related Hereditary Paraganglioma-Pheochromocytoma Syndrome. Identifiers: Orphanet 29072, MedGen C0031511, MONDO:0008233, OMIM 171300, HP:0002666.
Pheochromocytoma/paraganglioma syndrome 4. Also called: PARAGANGLIOMA, FAMILIAL MALIGNANT; PARAGANGLIOMAS, HEREDITARY EXTRAADRENAL; PHEOCHROMOCYTOMA, FAMILIAL EXTRAADRENAL; SDHB-Related Hereditary Paraganglioma-Pheochromocytoma Syndrome (Paragangliomas 4); CAROTID BODY TUMORS AND MULTIPLE EXTRAADRENAL PHEOCHROMOCYTOMAS; SDHB-Related Hereditary Paraganglioma-Pheochromocytoma Syndrome. Identifiers: Orphanet 29072, MedGen C1861848, MONDO:0007273, OMIM 115310.
Gastrointestinal stromal tumor. Also called: Gastrointestinal stromal tumor, somatic; Gastrointestinal stroma tumor. Identifiers: Orphanet 44890, MedGen C0238198, MeSH D046152, MONDO:0011719, OMIM 606764, HP:0100723.
Hereditary pheochromocytoma and paraganglioma. Also called: Hereditary paragangliomas and pheochromocytomas; Hereditary Paraganglioma-Pheochromocytoma Syndromes; Hereditary pheochromocytoma-paraganglioma. Identifiers: Orphanet 29072, MedGen C4274332, MONDO:0017366.

Allele frequency attached by ClinVar (database versions not stated): gnomAD exomes 0.00001.
gnomAD v4.1: 7 of 1,487,378 alleles (0.00047%); highest among the groups gnomAD compares: Non-Finnish European, 0.00066%; no homozygotes.

Submissions (3):

Color Diagnostics, LLC DBA Color Health
Classification: Uncertain significance for Hereditary pheochromocytoma and paraganglioma. Last evaluated: 2025-07-15. Review status: criteria provided, single submitter. Criteria: ACMG Guidelines, 2015. Collection method: clinical testing. Allele origin: germline.
Comment: This variant causes an A to G nucleotide substitution at the +4 position of intron 5 of the SDHB gene. Splice prediction tools suggest that this variant may disrupt RNA splicing. To our knowledge, RNA studies have not been reported for this variant. This variant has not been reported in individuals affected with SDHB-related disorders in the literature. This variant has not been identified in the general population by the Genome Aggregation Database (gnomAD). The available evidence is insufficient to determine the role of this variant in disease conclusively. Therefore, this variant is classified as a Variant of Uncertain Significance.

Ambry Genetics
Classification: Uncertain significance for Hereditary cancer-predisposing syndrome. Last evaluated: 2025-01-13. Review status: criteria provided, single submitter. Criteria: Ambry Variant Classification Scheme 2023. Collection method: clinical testing. Allele origin: germline.
Comment: The c.540+4A>G intronic variant results from an A to G substitution 4 nucleotides after coding exon 5 in the SDHB gene. This nucleotide position is highly conserved in available vertebrate species. In silico splice site analysis predicts that this alteration may result in the creation or strengthening of a novel splice donor site. RNA studies have demonstrated that this alteration results in a transcript predicted to lead to a protein with an in-frame insertion of one amino acid; however, the exact functional impact of the inserted amino acid is unknown at this time (Ambry internal data). Based on the available evidence, the clinical significance of this variant remains unclear.

Labcorp Genetics (formerly Invitae), Labcorp
Classification: Uncertain significance for Gastrointestinal stromal tumor; Pheochromocytoma/paraganglioma syndrome 4; Pheochromocytoma. Last evaluated: 2018-06-29. Review status: criteria provided, single submitter. Criteria: Invitae Variant Classification Sherloc (09022015). Collection method: clinical testing. Allele origin: germline.
Comment: This variant is not present in population databases (ExAC no frequency). This sequence change falls in intron 5 of the SDHB gene. It does not directly change the encoded amino acid sequence of the SDHB protein, but it affects a nucleotide within the consensus splice site of the intron. This variant has not been reported in the literature in individuals with SDHB-related disease. Nucleotide substitutions within the consensus splice site are a relatively common cause of aberrant splicing (PMID: 17576681, 9536098). Algorithms developed to predict the effect of sequence changes on RNA splicing suggest that this variant is not likely to affect RNA splicing, but this prediction has not been confirmed by published transcriptional studies. In summary, the available evidence is currently insufficient to determine the role of this variant in disease. Therefore, it has been classified as a Variant of Uncertain Significance.

Literature cited by the submitters: PubMed 17576681 (cited by Labcorp Genetics (formerly Invitae), Labcorp); PubMed 9536098 (cited by Labcorp Genetics (formerly Invitae), Labcorp).